The following is an entry in ClinVar:

NM_001308093.3(GATA4):c.1136G>T (p.Ser379Ile)

Gene: GATA4 (GATA binding protein 4). Cytogenetic location: 8p23.1.
Variant type: single nucleotide variant.
Coding change: c.1136G>T on transcript NM_001308093.3 (MANE Select); coding-DNA position 1136, G replaced by T.
Protein change: p.Ser379Ile; replaces serine 379 with isoleucine.
Molecular consequence: missense variant.
Genome position (GRCh38, 1-based): chr8:11,757,070, G>T. VCF-style: chr8-11757070-G-T. GRCh37 (hg19) VCF-style: chr8-11614579-G-T.
Other names: c.515G>T, p.Ser172Ile (NM_001308094.2, NM_001374273.1); c.389G>T, p.Ser130Ile (NM_001374274.1); c.1133G>T, p.Ser378Ile (NM_002052.5); short protein forms S378I, S379I, S172I, S130I.
Identifiers: ClinVar variation 239097 (VCV000239097.12), dbSNP rs878854481, ClinGen allele CA10582554.

ClinVar aggregate classification (germline): Uncertain significance. Review status: criteria provided, multiple submitters, no conflicts (2 of 4 stars). 2 submissions from 2 submitters: Uncertain significance (2). Last evaluated 2025-11-25.

Conditions:
Atrioventricular septal defect 4 (AVSD4). Identifiers: MedGen C3280781, MONDO:0013747, OMIM 614430.

Allele frequency attached by ClinVar (database versions not stated): gnomAD exomes 0.00001 and 0.00005; gnomAD 0.00002; TOPMed 0.00003.
gnomAD v4.1: 74 of 1,613,986 alleles (0.0046%); highest among the groups gnomAD compares: Non-Finnish European, 0.0057%; no homozygotes.

Submissions (2):

Labcorp Genetics (formerly Invitae), Labcorp
Classification: Uncertain significance for Atrioventricular septal defect 4. Last evaluated: 2025-11-25. Review status: criteria provided, single submitter. Criteria: Invitae Variant Classification Sherloc (09022015). Collection method: clinical testing. Allele origin: germline.
Comment: This sequence change replaces serine, which is neutral and polar, with isoleucine, which is neutral and non-polar, at codon 378 of the GATA4 protein (p.Ser378Ile). This variant is present in population databases (no rsID available, gnomAD 0.002%). This variant has not been reported in the literature in individuals affected with GATA4-related conditions. ClinVar contains an entry for this variant (Variation ID: 239097). Invitae Evidence Modeling of protein sequence and biophysical properties (such as structural, functional, and spatial information, amino acid conservation, physicochemical variation, residue mobility, and thermodynamic stability) has been performed for this missense variant. However, the output from this modeling did not meet the statistical confidence thresholds required to predict the impact of this variant on GATA4 protein function. In summary, the available evidence is currently insufficient to determine the role of this variant in disease. Therefore, it has been classified as a Variant of Uncertain Significance.

GeneDx
Classification: Uncertain significance. Last evaluated: 2023-03-10. Review status: criteria provided, single submitter. Criteria: GeneDx Variant Classification Process June 2021. Collection method: clinical testing. Allele origin: germline. Affected: yes.
Comment: Not observed at significant frequency in large population cohorts (gnomAD); In silico analysis supports that this missense variant has a deleterious effect on protein structure/function; Has not been previously published as pathogenic or benign to our knowledge